The following is an entry in ClinVar:

NM_003998.4(NFKB1):c.1649T>G (p.Leu550Ter)

Genes: NFKB1 (nuclear factor kappa B subunit 1; plus strand), LOC126807127 (CDK7 strongly-dependent group 2 enhancer GRCh37_chr4:103521788-103522987; plus strand). Cytogenetic location: 4q24.
Variant type: single nucleotide variant.
Coding change: c.1649T>G on transcript NM_003998.4 (MANE Select); coding-DNA position 1649, T replaced by G.
Protein change: p.Leu550Ter; replaces leucine 550 with a stop codon.
Molecular consequence: nonsense.
Genome position (GRCh38, 1-based): chr4:102,600,906, T>G. VCF-style: chr4-102600906-T-G. GRCh37 (hg19) VCF-style: chr4-103522063-T-G.
Other names: c.1646T>G, p.Leu549Ter (NM_001165412.2, NM_001319226.2, NM_001382627.1); c.1649T>G, p.Leu550Ter (NM_001382625.1, NM_001382626.1); c.1607T>G, p.Leu536Ter (NM_001382628.1); short protein forms L549*, L550*, L536*.
Identifiers: ClinVar variation 4724653 (VCV004724653.1).

ClinVar aggregate classification (germline): Pathogenic (1 of 4 stars; one submission).

Submission:

Labcorp Genetics (formerly Invitae), Labcorp
Classification: Pathogenic. Last evaluated: 2025-09-08. Review status: criteria provided, single submitter. Criteria: Invitae Variant Classification Sherloc (09022015). Collection method: clinical testing. Allele origin: germline.
Comment: This sequence change creates a premature translational stop signal (p.Leu550*) in the NFKB1 gene. It is expected to result in an absent or disrupted protein product. Loss-of-function variants in NFKB1 are known to be pathogenic (PMID: 26279205, 29477724). This variant is not present in population databases (gnomAD no frequency). This variant has not been reported in the literature in individuals affected with NFKB1-related conditions. For these reasons, this variant has been classified as Pathogenic.

Literature cited by the submitters: PubMed 26279205; PubMed 29477724.